The following is an entry in ClinVar:

ClinVar aggregate classification (germline): Uncertain significance (1 of 4 stars; one submission).

gnomAD v4.1: 6 of 1,614,148 alleles (0.00037%); highest among the groups gnomAD compares: Non-Finnish European, 0.00051%; no homozygotes.

Submission:

Labcorp Genetics (formerly Invitae), Labcorp
Classification: Uncertain significance. Last evaluated: 2022-08-06. Review status: criteria provided, single submitter. Criteria: Invitae Variant Classification Sherloc (09022015). Collection method: clinical testing. Allele origin: germline.
Comment: In summary, the available evidence is currently insufficient to determine the role of this variant in disease. Therefore, it has been classified as a Variant of Uncertain Significance. Algorithms developed to predict the effect of missense changes on protein structure and function are either unavailable or do not agree on the potential impact of this missense change (SIFT: "Deleterious"; PolyPhen-2: "Possibly Damaging"; Align-GVGD: "Class C0"). This variant has not been reported in the literature in individuals affected with TNFRSF11B-related conditions. This variant is not present in population databases (gnomAD no frequency). This sequence change replaces threonine, which is neutral and polar, with isoleucine, which is neutral and non-polar, at codon 35 of the TNFRSF11B protein (p.Thr35Ile).

NM_002546.4(TNFRSF11B):c.104C>T (p.Thr35Ile)

Gene: TNFRSF11B (TNF receptor superfamily member 11b; minus strand). Cytogenetic location: 8q24.12.
Variant type: single nucleotide variant.
Coding change: c.104C>T on transcript NM_002546.4 (MANE Select); coding-DNA position 104, C replaced by T.
Protein change: p.Thr35Ile; replaces threonine 35 with isoleucine.
Molecular consequence: missense variant.
Genome position (GRCh38, 1-based): chr8:118,933,227, G>A on the plus strand (C>T on the coding strand, the complement: TNFRSF11B is on the minus strand). VCF-style: chr8-118933227-G-A. GRCh37 (hg19) VCF-style: chr8-119945466-G-A.
Other names: short protein forms T35I.
Identifiers: ClinVar variation 1714492 (VCV001714492.5), dbSNP rs150777320, ClinGen allele CA371921031.